The following is an entry in ClinVar:

ClinVar aggregate classification (germline): Uncertain significance (1 of 4 stars; one submission).

Submission:

Labcorp Genetics (formerly Invitae), Labcorp
Classification: Uncertain significance. Last evaluated: 2023-01-23. Review status: criteria provided, single submitter. Criteria: Invitae Variant Classification Sherloc (09022015). Collection method: clinical testing. Allele origin: germline.
Comment: In summary, the available evidence is currently insufficient to determine the role of this variant in disease. Therefore, it has been classified as a Variant of Uncertain Significance. Algorithms developed to predict the effect of missense changes on protein structure and function output the following: SIFT: "Tolerated"; PolyPhen-2: "Possibly Damaging"; Align-GVGD: "Class C15". The glycine amino acid residue is found in multiple mammalian species, which suggests that this missense change does not adversely affect protein function. This variant has not been reported in the literature in individuals affected with PCNT-related conditions. This variant is not present in population databases (gnomAD no frequency). This sequence change replaces glutamic acid, which is acidic and polar, with glycine, which is neutral and non-polar, at codon 758 of the PCNT protein (p.Glu758Gly).

NM_006031.6(PCNT):c.2273A>G (p.Glu758Gly)

Gene: PCNT (pericentrin; plus strand). Cytogenetic location: 21q22.3.
Variant type: single nucleotide variant.
Coding change: c.2273A>G on transcript NM_006031.6 (MANE Select); coding-DNA position 2273, A replaced by G.
Protein change: p.Glu758Gly; replaces glutamic acid 758 with glycine.
Molecular consequence: missense variant.
Genome position (GRCh38, 1-based): chr21:46,363,598, A>G. VCF-style: chr21-46363598-A-G. GRCh37 (hg19) VCF-style: chr21-47783513-A-G.
Other names: c.1919A>G, p.Glu640Gly (NM_001315529.2); short protein forms E640G, E758G.
Identifiers: ClinVar variation 2818651 (VCV002818651.3), dbSNP rs2518223531, ClinGen allele CA410567365.